The following is an entry in ClinVar:

NM_001903.5(CTNNA1):c.1117A>T (p.Lys373Ter)

Gene: CTNNA1 (catenin alpha 1; plus strand). Cytogenetic location: 5q31.2.
Variant type: single nucleotide variant.
Coding change: c.1117A>T on transcript NM_001903.5 (MANE Select); coding-DNA position 1117, A replaced by T.
Protein change: p.Lys373Ter; replaces lysine 373 with a stop codon.
Molecular consequence: nonsense. On other transcripts: 5 prime UTR variant (5), intron variant (2).
Genome position (GRCh38, 1-based): chr5:138,886,266, A>T. VCF-style: chr5-138886266-A-T. GRCh37 (hg19) VCF-style: chr5-138221955-A-T.
Other names: c.1117A>T (NM_001903.2); c.-391A>T (NM_001324006.1, NM_001324007.1, NM_001324008.1 and 1 more transcripts); c.7A>T, p.Lys3Ter (NM_001324011.1, NM_001290312.1, NM_001323987.1 and 18 more transcripts); c.-266A>T (NM_001324013.1); c.-58+10669A>T (NM_001324012.1); c.-61+10669A>T (NM_001324010.1); c.1117A>T, p.Lys373Ter (NM_001290307.3, NM_001323982.2, NM_001323983.1 and 3 more transcripts); c.808A>T, p.Lys270Ter (NM_001290309.3); and 1 more; short protein forms K3*, K270*, K373*, K250*.
Identifiers: ClinVar variation 1435131 (VCV001435131.9), dbSNP rs2150024332, ClinGen allele CA361132591.

ClinVar aggregate classification (germline): Pathogenic. Review status: criteria provided, multiple submitters, no conflicts (2 of 4 stars). 3 submissions from 3 submitters: Pathogenic (3). Last evaluated 2025-07-08.

Conditions:
Hereditary cancer-predisposing syndrome. Also called: Neoplastic Syndromes, Hereditary; Hereditary Cancer Syndrome; Tumor predisposition; Hereditary neoplastic syndrome. Identifiers: Orphanet 140162, MedGen C0027672, MeSH D009386, MONDO:0015356.
Hereditary diffuse gastric adenocarcinoma (HDGC). Also called: DIFFUSE GASTRIC AND LOBULAR BREAST CANCER SYNDROME. Identifiers: Orphanet 26106, MedGen C1708349, MONDO:0007648, OMIM 137215.

Submissions (3):

Ambry Genetics
Classification: Pathogenic for Hereditary cancer-predisposing syndrome. Last evaluated: 2025-07-08. Review status: criteria provided, single submitter. Criteria: Ambry Variant Classification Scheme 2023. Collection method: clinical testing. Allele origin: germline.
Comment: The p.K373* pathogenic mutation (also known as c.1117A>T), located in coding exon 7 of the CTNNA1 gene, results from an A to T substitution at nucleotide position 1117. This changes the amino acid from a lysine to a stop codon within coding exon 7. This variant is considered to be rare based on population cohorts in the Genome Aggregation Database (gnomAD). This alteration is expected to result in loss of function by premature protein truncation or nonsense-mediated mRNA decay. As such, this alteration is interpreted as a disease-causing mutation.

Myriad Genetics, Inc.
Classification: Pathogenic for Hereditary diffuse gastric adenocarcinoma. Last evaluated: 2025-05-07. Review status: criteria provided, single submitter. Criteria: Myriad Autosomal Dominant, Autosomal Recessive and X-Linked Classification Criteria (2023). Collection method: clinical testing. Allele origin: unknown.
Comment: This variant is considered pathogenic. This variant creates a termination codon and is predicted to result in premature protein truncation.

Labcorp Genetics (formerly Invitae), Labcorp
Classification: Pathogenic. Last evaluated: 2023-06-13. Review status: criteria provided, single submitter. Criteria: Invitae Variant Classification Sherloc (09022015). Collection method: clinical testing. Allele origin: germline.
Comment: For these reasons, this variant has been classified as Pathogenic. ClinVar contains an entry for this variant (Variation ID: 1435131). This variant has not been reported in the literature in individuals affected with CTNNA1-related conditions. This variant is not present in population databases (gnomAD no frequency). This sequence change creates a premature translational stop signal (p.Lys373*) in the CTNNA1 gene. It is expected to result in an absent or disrupted protein product. Loss-of-function variants in CTNNA1 are known to be pathogenic (PMID: 32051609, 34425242).

Literature cited by the submitters: PubMed 32051609 (cited by Labcorp Genetics (formerly Invitae), Labcorp); PubMed 34425242 (cited by Labcorp Genetics (formerly Invitae), Labcorp).